The following is an entry in ClinVar:

NM_006531.5(IFT88):c.235A>G (p.Ile79Val)

Gene: IFT88 (intraflagellar transport 88; plus strand). Cytogenetic location: 13q12.11.
Variant type: single nucleotide variant.
Coding change: c.235A>G on transcript NM_006531.5 (MANE Select); coding-DNA position 235, A replaced by G.
Protein change: p.Ile79Val; replaces isoleucine 79 with valine.
Molecular consequence: missense variant. On other transcripts: 5 prime UTR variant (1), non-coding transcript variant (5).
Genome position (GRCh38, 1-based): chr13:20,590,991, A>G. VCF-style: chr13-20590991-A-G. GRCh37 (hg19) VCF-style: chr13-21165130-A-G.
Other names: c.178A>G, p.Ile60Val (NM_001318491.2, NM_001353573.2, NM_001353574.2 and 1 more transcripts); c.262A>G, p.Ile88Val (NM_001318493.2, NM_001353565.2, NM_001353566.2 and 6 more transcripts); c.235A>G, p.Ile79Val (NM_001353568.2, NM_001353571.2, NM_001353572.2 and 1 more transcripts); c.-329A>G (NM_001353579.2); short protein forms I79V, I88V, I60V.
Identifiers: ClinVar variation 2215358 (VCV002215358.4), dbSNP rs767626107, ClinGen allele CA6904997.

ClinVar aggregate classification (germline): Uncertain significance. Review status: criteria provided, multiple submitters, no conflicts (2 of 4 stars). 2 submissions from 2 submitters: Uncertain significance (2). Last evaluated 2024-12-23.

Allele frequency attached by ClinVar (database versions not stated): ExAC 0.00001; gnomAD 0.00001; gnomAD exomes 0.00001; TOPMed 0.00002.
gnomAD v4.1: 13 of 1,610,140 alleles (0.00081%); highest among the groups gnomAD compares: Middle Eastern, 0.016%; no homozygotes.

Submissions (2):

Labcorp Genetics (formerly Invitae), Labcorp
Classification: Uncertain significance. Last evaluated: 2024-12-23. Review status: criteria provided, single submitter. Criteria: Invitae Variant Classification Sherloc (09022015). Collection method: clinical testing. Allele origin: germline.
Comment: This sequence change replaces isoleucine, which is neutral and non-polar, with valine, which is neutral and non-polar, at codon 88 of the IFT88 protein (p.Ile88Val). The frequency data for this variant in the population databases is considered unreliable, as metrics indicate poor data quality at this position in the gnomAD database. This variant has not been reported in the literature in individuals affected with IFT88-related conditions. ClinVar contains an entry for this variant (Variation ID: 2215358). An algorithm developed to predict the effect of missense changes on protein structure and function outputs the following: PolyPhen-2: "Benign". The valine amino acid residue is found in multiple mammalian species, which suggests that this missense change does not adversely affect protein function. In summary, the available evidence is currently insufficient to determine the role of this variant in disease. Therefore, it has been classified as a Variant of Uncertain Significance.

Ambry Genetics
Classification: Uncertain significance. Last evaluated: 2022-02-03. Review status: criteria provided, single submitter. Criteria: Ambry Variant Classification Scheme 2023. Collection method: clinical testing. Allele origin: germline.